The following is an entry in ClinVar:

NM_006294.5(UQCRB):c.12G>C (p.Lys4Asn)

Genes: UQCRB (ubiquinol-cytochrome c reductase binding protein; minus strand), UQCRB-AS1 (UQCRB antisense RNA 1; plus strand), LOC130000789 (ATAC-STARR-seq lymphoblastoid active region 27659; plus strand). Cytogenetic location: 8q22.1.
Variant type: single nucleotide variant.
Coding change: c.12G>C on transcript NM_006294.5 (MANE Select); coding-DNA position 12, G replaced by C.
Protein change: p.Lys4Asn; replaces lysine 4 with asparagine.
Molecular consequence: missense variant. On other transcripts: 5 prime UTR variant (1), non-coding transcript variant (1).
Genome position (GRCh38, 1-based): chr8:96,235,519, C>G on the plus strand (G>C on the coding strand, the complement: UQCRB is on the minus strand). VCF-style: chr8-96235519-C-G. GRCh37 (hg19) VCF-style: chr8-97247747-C-G.
Other names: c.-199G>C (NM_001199975.3); c.12G>C, p.Lys4Asn (NM_001254752.2); short protein forms K4N.
Identifiers: ClinVar variation 1695234 (VCV001695234.31), dbSNP rs758398153, ClinGen allele CA371757095.

ClinVar aggregate classification (germline): Uncertain significance (1 of 4 stars; one submission).

gnomAD v4.1: 26 of 1,614,214 alleles (0.0016%); highest among the groups gnomAD compares: Non-Finnish European, 0.0021%; no homozygotes.

Submission:

CeGaT Center for Human Genetics Tuebingen
Classification: Uncertain significance. Last evaluated: 2022-05-01. Review status: criteria provided, single submitter. Criteria: CeGaT Center For Human Genetics Tuebingen Variant Classification Criteria Version 2. Collection method: clinical testing. Allele origin: germline. Affected: yes. Observed: 1 variant allele.
Comment: UQCRB: PM2, BP4